The following is an entry in ClinVar:

ClinVar aggregate classification (germline): Uncertain significance. Review status: criteria provided, multiple submitters, no conflicts (2 of 4 stars). 3 submissions from 3 submitters: Uncertain significance (3). Last evaluated 2025-10-05.

Conditions:
Cardiovascular phenotype. Identifiers: MedGen CN230736.
Hypertrophic cardiomyopathy. Also called: HYPERTROPHIC MYOCARDIOPATHY. Identifiers: Orphanet 217569, MedGen C0007194, MeSH D002312, MONDO:0005045, HP:0001639.

Allele frequency attached by ClinVar (database versions not stated): gnomAD 0.00002; gnomAD exomes below 0.00001; TOPMed 0.00001.
gnomAD v4.1: 6 of 1,539,114 alleles (0.00039%); highest among the groups gnomAD compares: East Asian, 0.0049%; no homozygotes.

Submissions (3):

Labcorp Genetics (formerly Invitae), Labcorp
Classification: Uncertain significance for Hypertrophic cardiomyopathy. Last evaluated: 2025-10-05. Review status: criteria provided, single submitter. Criteria: Invitae Variant Classification Sherloc (09022015). Collection method: clinical testing. Allele origin: germline.
Comment: This sequence change replaces alanine, which is neutral and non-polar, with valine, which is neutral and non-polar, at codon 460 of the JPH2 protein (p.Ala460Val). This variant is not present in population databases (gnomAD no frequency). This variant has not been reported in the literature in individuals affected with JPH2-related conditions. ClinVar contains an entry for this variant (Variation ID: 2557373). An algorithm developed to predict the effect of missense changes on protein structure and function (PolyPhen-2) suggests that this variant is likely to be tolerated. In summary, the available evidence is currently insufficient to determine the role of this variant in disease. Therefore, it has been classified as a Variant of Uncertain Significance.

GeneDx
Classification: Uncertain significance. Last evaluated: 2025-02-11. Review status: criteria provided, single submitter. Criteria: GeneDx Variant Classification Process June 2021. Collection method: clinical testing. Allele origin: germline. Affected: yes.
Comment: Has not been previously published as pathogenic or benign to our knowledge; Not observed at significant frequency in large population cohorts (gnomAD); In silico analysis indicates that this missense variant does not alter protein structure/function

Ambry Genetics
Classification: Uncertain significance for Cardiovascular phenotype. Last evaluated: 2023-06-06. Review status: criteria provided, single submitter. Criteria: Ambry Variant Classification Scheme 2023. Collection method: clinical testing. Allele origin: germline.

NM_020433.5(JPH2):c.1379C>T (p.Ala460Val)

Gene: JPH2 (junctophilin 2; minus strand). Cytogenetic location: 20q13.12.
Variant type: single nucleotide variant.
Coding change: c.1379C>T on transcript NM_020433.5 (MANE Select); coding-DNA position 1379, C replaced by T.
Protein change: p.Ala460Val; replaces alanine 460 with valine.
Molecular consequence: missense variant.
Genome position (GRCh38, 1-based): chr20:44,116,296, G>A on the plus strand (C>T on the coding strand, the complement: JPH2 is on the minus strand). VCF-style: chr20-44116296-G-A. GRCh37 (hg19) VCF-style: chr20-42744936-G-A.
Other names: short protein forms A460V.
Identifiers: ClinVar variation 2557373 (VCV002557373.6), dbSNP rs1158370131, ClinGen allele CA409100748.
Genomic context (GRCh38, chr20:44,116,296, plus strand): 5'-GGCCGAGGGGTCTCACGCTCGTGCAGCTGCGGGCTCTCGCGGGGCGGCTGTGGGAGGCCC[G>A]CTGCGCCGGCGCCCCGGTCGGGGGGCTCCAGCAGGCTCTCCGAGTTCTCCAGGATCTCCT-3'
Protein context (NP_065166.2, residues 450-470): LEPPDRGAGA[Ala460Val]GLPQPPRESP